The following is an entry in ClinVar:

ClinVar aggregate classification (germline): Uncertain significance. Review status: criteria provided, multiple submitters, no conflicts (2 of 4 stars). 2 submissions from 2 submitters: Uncertain significance (2). Last evaluated 2024-10-01.

Conditions:
Leber congenital amaurosis 4 (LCA4). Identifiers: MedGen C1858386, MONDO:0011458, OMIM 604393.
Retinitis pigmentosa (RP). Identifiers: Orphanet 791, MedGen C0035334, MeSH D012174, MONDO:0019200, OMIM 268000. Inheritance: Autosomal dominant, autosomal recessive and X linked inheritance.

Submissions (2):

Lab De Baere, Eye and Developmental Genetics Lab, Ghent University
Classification: Uncertain significance for Retinitis pigmentosa. Last evaluated: 2024-10-01. Review status: criteria provided, single submitter. Criteria: ACMG Guidelines, 2015. Collection method: research. Allele origin: inherited. Affected: yes. Observed: 1 variant allele.
Comment: ACMG/AMP guidelines: PM2, PP3, PM3_PP

Labcorp Genetics (formerly Invitae), Labcorp
Classification: Uncertain significance for Leber congenital amaurosis 4. Last evaluated: 2022-04-03. Review status: criteria provided, single submitter. Criteria: Invitae Variant Classification Sherloc (09022015). Collection method: clinical testing. Allele origin: germline.
Comment: This variant is not present in population databases (gnomAD no frequency). In summary, the available evidence is currently insufficient to determine the role of this variant in disease. Therefore, it has been classified as a Variant of Uncertain Significance. Algorithms developed to predict the effect of missense changes on protein structure and function are either unavailable or do not agree on the potential impact of this missense change (SIFT: "Deleterious"; PolyPhen-2: "Probably Damaging"; Align-GVGD: "Class C15"). This variant has not been reported in the literature in individuals affected with AIPL1-related conditions. This sequence change replaces glutamine, which is neutral and polar, with histidine, which is basic and polar, at codon 238 of the AIPL1 protein (p.Gln238His).

NM_014336.5(AIPL1):c.714G>C (p.Gln238His)

Gene: AIPL1 (AIP like 1 HSP90 co-chaperone; minus strand). Cytogenetic location: 17p13.2.
Variant type: single nucleotide variant.
Coding change: c.714G>C on transcript NM_014336.5 (MANE Select); coding-DNA position 714, G replaced by C.
Protein change: p.Gln238His; replaces glutamine 238 with histidine.
Molecular consequence: missense variant. On other transcripts: splice acceptor variant (1).
Genome position (GRCh38, 1-based): chr17:6,426,685, C>G on the plus strand (G>C on the coding strand, the complement: AIPL1 is on the minus strand). VCF-style: chr17-6426685-C-G. GRCh37 (hg19) VCF-style: chr17-6330005-C-G.
Other names: c.525G>C, p.Gln175His (NM_001033054.3); c.534G>C, p.Gln178His (NM_001033055.3); c.678G>C, p.Gln226His (NM_001285399.3); c.648G>C, p.Gln216His (NM_001285400.3); c.597G>C, p.Gln199His (NM_001285402.2); c.690G>C, p.Gln230His (NM_001285403.4); c.643-1G>C (NM_001285401.3); short protein forms Q178H, Q199H, Q175H, Q230H, Q226H, Q238H, Q216H.
Identifiers: ClinVar variation 2118551 (VCV002118551.5), dbSNP rs2543883989, ClinGen allele CA397395147.